The following is an entry in ClinVar:

ClinVar aggregate classification (germline): Conflicting classifications of pathogenicity. Review status: criteria provided, conflicting classifications (1 of 4 stars). 3 submissions from 3 submitters: Uncertain significance (1); Likely benign (2). Last evaluated 2026-01-05.

Conditions:
NPHP3-related disorder. Also called: NPHP3-related condition; NPHP3-related disorders. Identifiers: MedGen CN379163.
Nephronophthisis. Also called: Juvenile Nephronophthisis. Identifiers: Orphanet 655, MedGen C0687120, MONDO:0019005, HP:0000090.

Allele frequency attached by ClinVar (database versions not stated): gnomAD 0.00002; gnomAD exomes 0.00003; ExAC 0.00004; TOPMed 0.00005; ESP Exome Variant Server 0.00008.

Submissions (3):

Labcorp Genetics (formerly Invitae), Labcorp
Classification: Likely benign for Nephronophthisis. Last evaluated: 2026-01-05. Review status: criteria provided, single submitter. Criteria: Invitae Variant Classification Sherloc (09022015). Collection method: clinical testing. Allele origin: germline.

PreventionGenetics, part of Exact Sciences
Classification: Likely benign for NPHP3-related condition. Last evaluated: 2025-03-23. Review status: criteria provided, single submitter. Criteria: ACMG Guidelines, 2015. Collection method: clinical testing. Allele origin: germline.
Comment: This variant is classified as likely benign based on ACMG/AMP sequence variant interpretation guidelines (Richards et al. 2015 PMID: 25741868, with internal and published modifications).

Eurofins Ntd Llc (ga)
Classification: Uncertain significance. Last evaluated: 2017-06-02. Review status: criteria provided, single submitter. Criteria: EGL Classification Definitions 2015. Collection method: clinical testing. Allele origin: germline. Observed: 1 variant allele, 1 heterozygote.

NM_153240.5(NPHP3):c.1986-7A>G

Genes: NPHP3 (nephrocystin 3; minus strand), NPHP3-ACAD11 (NPHP3-ACAD11 readthrough (NMD candidate); minus strand). Cytogenetic location: 3q22.1.
Variant type: single nucleotide variant.
Coding change: c.1986-7A>G on transcript NM_153240.5 (MANE Select); 7 bases into the intron before coding-DNA position 1986, A replaced by G.
Molecular consequence: intron variant.
Genome position (GRCh38, 1-based): chr3:132,697,369, T>C on the plus strand (A>G on the coding strand, the complement: NPHP3 is on the minus strand). VCF-style: chr3-132697369-T-C. GRCh37 (hg19) VCF-style: chr3-132416213-T-C.
Other names: c.1986-7A>G (NM_153240.4).
Identifiers: ClinVar variation 502418 (VCV000502418.15), dbSNP rs373733344, ClinGen allele CA2622143.